The following is an entry in ClinVar:

ClinVar aggregate classification (germline): Uncertain significance. Review status: criteria provided, multiple submitters, no conflicts (2 of 4 stars). 3 submissions from 3 submitters: Uncertain significance (3). Last evaluated 2024-12-25.

Conditions:
Inborn genetic diseases. Identifiers: MedGen C0950123, MeSH D030342.
Amelogenesis imperfecta type 1G (AI1G). Also called: Amelogenesis imperfecta nephrocalcinosis; Enamel renal syndrome; Absent enamel, nephrocalcinosis and apparently normal calcium metabolism; Generalized enamel hypoplasia and renal dysfunction; Amelogenesis imperfecta hypoplastic type, IG; Amelogenesis imperfecta and nephrocalcinosis. Identifiers: Orphanet 1031, Orphanet 171836, MedGen C2931783, MONDO:0008771, OMIM 204690. Disease mechanism: loss of function.

Allele frequency attached by ClinVar (database versions not stated): ExAC 0.00007; gnomAD 0.00009; 1000 Genomes Project 30x 0.00016; TOPMed 0.00016.
gnomAD v4.1: 46 of 1,594,980 alleles (0.0029%); highest among the groups gnomAD compares: African/African-American, 0.05%; no homozygotes.

Submissions (3):

Ambry Genetics
Classification: Uncertain significance for Inborn genetic diseases. Last evaluated: 2024-12-25. Review status: criteria provided, single submitter. Criteria: Ambry Variant Classification Scheme 2023. Collection method: clinical testing. Allele origin: germline.

Labcorp Genetics (formerly Invitae), Labcorp
Classification: Uncertain significance. Last evaluated: 2024-04-29. Review status: criteria provided, single submitter. Criteria: Invitae Variant Classification Sherloc (09022015). Collection method: clinical testing. Allele origin: germline.
Comment: This sequence change replaces glutamic acid, which is acidic and polar, with aspartic acid, which is acidic and polar, at codon 113 of the FAM20A protein (p.Glu113Asp). This variant is present in population databases (rs771199261, gnomAD 0.04%). This variant has not been reported in the literature in individuals affected with FAM20A-related conditions. Algorithms developed to predict the effect of missense changes on protein structure and function output the following: SIFT: "Not Available"; PolyPhen-2: "Benign"; Align-GVGD: "Not Available". The aspartic acid amino acid residue is found in multiple mammalian species, which suggests that this missense change does not adversely affect protein function. In summary, the available evidence is currently insufficient to determine the role of this variant in disease. Therefore, it has been classified as a Variant of Uncertain Significance.

Fulgent Genetics
Classification: Uncertain significance for Amelogenesis imperfecta type 1G. Last evaluated: 2024-01-15. Review status: criteria provided, single submitter. Criteria: ACMG Guidelines, 2015. Collection method: clinical testing. Allele origin: germline.

NM_017565.4(FAM20A):c.339G>C (p.Glu113Asp)

Gene: FAM20A (FAM20A golgi associated secretory pathway pseudokinase; minus strand). Cytogenetic location: 17q24.2.
Variant type: single nucleotide variant.
Coding change: c.339G>C on transcript NM_017565.4 (MANE Select); coding-DNA position 339, G replaced by C.
Protein change: p.Glu113Asp; replaces glutamic acid 113 with aspartic acid.
Molecular consequence: missense variant. On other transcripts: 5 prime UTR variant (1).
Genome position (GRCh38, 1-based): chr17:68,600,328, C>G on the plus strand (G>C on the coding strand, the complement: FAM20A is on the minus strand). VCF-style: chr17-68600328-C-G. GRCh37 (hg19) VCF-style: chr17-66596469-C-G.
Other names: c.-302G>C (NM_001243746.2); c.339G>C (NM_017565.3); short protein forms E113D.
Identifiers: ClinVar variation 2902788 (VCV002902788.5), dbSNP rs771199261, ClinGen allele CA8730122.